The following is an entry in ClinVar:

ClinVar aggregate classification (germline): Benign/Likely benign. Review status: criteria provided, multiple submitters, no conflicts (2 of 4 stars). 5 submissions from 5 submitters: Benign (2); Likely benign (2). 1 of the submissions does not count toward it. Last evaluated 2026-09-01.

Conditions:
TRPM3-related disorder. Also called: TRPM3-related condition.

Allele frequency attached by ClinVar (database versions not stated): gnomAD exomes 0.00094 and 0.00142; ESP Exome Variant Server 0.00100; ExAC 0.00131; gnomAD 0.00145 and 0.00155; 1000 Genomes Project 30x 0.00172; 1000 Genomes Project 0.00180; TOPMed 0.00202.
gnomAD v4.1: 1,661 of 1,614,130 alleles (0.1%); highest among the groups gnomAD compares: Middle Eastern, 0.58%; 6 homozygotes.

Submissions (5):

CeGaT Center for Human Genetics Tuebingen
Classification: Likely benign. Last evaluated: 2026-09-01. Review status: criteria provided, single submitter. Criteria: CeGaT Center For Human Genetics Tuebingen Variant Classification Criteria Version 2. Collection method: clinical testing. Allele origin: germline. Affected: yes. Observed: 7 variant alleles.
Comment: TRPM3: BP4, BP7

Blueprint Genetics
Classification: Likely benign. Last evaluated: 2024-11-13. Review status: criteria provided, single submitter. Criteria: ACMG Guidelines, 2015. Collection method: clinical testing. Allele origin: germline.

Labcorp Genetics (formerly Invitae), Labcorp
Classification: Benign. Last evaluated: 2017-07-26. Review status: criteria provided, single submitter. Criteria: Invitae Variant Classification Sherloc (09022015). Collection method: clinical testing. Allele origin: germline.

Breakthrough Genomics
Classification: Benign. Review status: criteria provided, single submitter. Criteria: ACMG Guidelines, 2015. Collection method: not provided. Allele origin: germline. Inheritance: Autosomal dominant inheritance. Affected: yes.

PreventionGenetics, part of Exact Sciences
Classification: Likely benign for TRPM3-related condition. Last evaluated: 2019-02-20. Review status: no assertion criteria provided. Collection method: clinical testing. Allele origin: germline. Not counted in ClinVar's aggregate classification.
Comment: This variant is classified as likely benign based on ACMG/AMP sequence variant interpretation guidelines (Richards et al. 2015 PMID: 25741868, with internal and published modifications).

NM_001366145.2(TRPM3):c.3024G>A (p.Pro1008=)

Gene: TRPM3 (transient receptor potential cation channel subfamily M member 3; minus strand). Cytogenetic location: 9q21.12.
Variant type: single nucleotide variant.
Coding change: c.3024G>A on transcript NM_001366145.2 (MANE Select); coding-DNA position 3024, G replaced by A.
Protein change: p.Pro1008=; no amino-acid change (proline 1008 retained).
Molecular consequence: synonymous variant.
Genome position (GRCh38, 1-based): chr9:70,598,443, C>T on the plus strand (G>A on the coding strand, the complement: TRPM3 is on the minus strand). VCF-style: chr9-70598443-C-T. GRCh37 (hg19) VCF-style: chr9-73213359-C-T.
Other names: c.2988G>A, p.Pro996= (NM_001007471.4, NM_001366151.2); c.2994G>A, p.Pro998= (NM_001366141.2, NM_001366143.2, NM_001366149.2); c.3030G>A, p.Pro1010= (NM_001366142.2); c.3024G>A, p.Pro1008= (NM_001366146.2); c.3099G>A, p.Pro1033= (NM_001366147.2, NM_001366152.2); c.3069G>A, p.Pro1023= (NM_001366148.2); c.2958G>A, p.Pro986= (NM_001366150.2); c.2565G>A, p.Pro855= (NM_001366154.2, NM_024971.7); and 6 more.
Identifiers: ClinVar variation 788301 (VCV000788301.29), dbSNP rs34054081, ClinGen allele CA5078152.
Genomic context (GRCh38, chr9:70,598,443, plus strand): 5'-AAAACTTATAACATGGAATCAGAAGACCCTGCTTACCATTTTTCCAATCATCATTACATA[C>T]GGGCCCAAATACTTGTTCACGCCGAAGATGTCTAGGAGACGGATATACCAGTAAATGATG-3'
Protein context (NP_001353074.1, residues 998-1018): DIFGVNKYLG[Pro1008=]YVMMIGKMMI